The following is an entry in ClinVar:

ClinVar aggregate classification (germline): Uncertain significance (1 of 4 stars; one submission).

Submission:

CeGaT Center for Human Genetics Tuebingen
Classification: Uncertain significance. Last evaluated: 2022-05-01. Review status: criteria provided, single submitter. Criteria: CeGaT Center For Human Genetics Tuebingen Variant Classification Criteria Version 2. Collection method: clinical testing. Allele origin: germline. Affected: yes. Observed: 1 variant allele.
Comment: TTN: PM2, PP3, BP1

NM_001267550.2(TTN):c.11311+1234C>T

Gene: TTN (titin; minus strand). Cytogenetic location: 2q31.2.
Variant type: single nucleotide variant.
Coding change: c.11311+1234C>T on transcript NM_001267550.2 (MANE Select); 1234 bases into the intron after coding-DNA position 11311, C replaced by T.
Molecular consequence: intron variant. On other transcripts: missense variant (1).
Genome position (GRCh38, 1-based): chr2:178,751,890, G>A on the plus strand (C>T on the coding strand, the complement: TTN is on the minus strand). VCF-style: chr2-178751890-G-A. GRCh37 (hg19) VCF-style: chr2-179616617-G-A.
Other names: c.10510C>T, p.Pro3504Ser (NM_133379.5); c.10222+1234C>T (NM_003319.4); c.10798+1234C>T (NM_133437.4); c.10597+1234C>T (NM_133432.3); c.10360+1234C>T (NM_133378.4, NM_001256850.1); short protein forms P3504S.
Identifiers: ClinVar variation 2651710 (VCV002651710.24), dbSNP rs2531490757, ClinGen allele CA349667873.